The following is an entry in ClinVar:

NM_004239.4(TRIP11):c.3876G>C (p.Gln1292His)

Gene: TRIP11 (thyroid hormone receptor interactor 11; minus strand). Cytogenetic location: 14q32.12.
Variant type: single nucleotide variant.
Coding change: c.3876G>C on transcript NM_004239.4 (MANE Select); coding-DNA position 3876, G replaced by C.
Protein change: p.Gln1292His; replaces glutamine 1292 with histidine.
Molecular consequence: missense variant.
Genome position (GRCh38, 1-based): chr14:92,004,100, C>G on the plus strand (G>C on the coding strand, the complement: TRIP11 is on the minus strand). VCF-style: chr14-92004100-C-G. GRCh37 (hg19) VCF-style: chr14-92470444-C-G.
Other names: c.3873G>C, p.Gln1291His (NM_001321851.1); short protein forms Q1291H, Q1292H.
Identifiers: ClinVar variation 3705338 (VCV003705338.2).

ClinVar aggregate classification (germline): Uncertain significance (1 of 4 stars; one submission).

Conditions:
Achondrogenesis, type IA (ACG1A). Identifiers: Orphanet 932, Orphanet 93299, MedGen C0265273, MONDO:0008701, OMIM 200600.

Submission:

Labcorp Genetics (formerly Invitae), Labcorp
Classification: Uncertain significance for Achondrogenesis, type IA. Last evaluated: 2024-10-03. Review status: criteria provided, single submitter. Criteria: Invitae Variant Classification Sherloc (09022015). Collection method: clinical testing. Allele origin: germline.
Comment: This sequence change replaces glutamine, which is neutral and polar, with histidine, which is basic and polar, at codon 1292 of the TRIP11 protein (p.Gln1292His). This variant is not present in population databases (gnomAD no frequency). This variant has not been reported in the literature in individuals affected with TRIP11-related conditions. Invitae Evidence Modeling of protein sequence and biophysical properties (such as structural, functional, and spatial information, amino acid conservation, physicochemical variation, residue mobility, and thermodynamic stability) has been performed for this missense variant. However, the output from this modeling did not meet the statistical confidence thresholds required to predict the impact of this variant on TRIP11 protein function. In summary, the available evidence is currently insufficient to determine the role of this variant in disease. Therefore, it has been classified as a Variant of Uncertain Significance.